The following is an entry in ClinVar:

NM_178229.5(IQGAP3):c.4762C>T (p.Arg1588Ter)

Gene: IQGAP3 (IQ motif containing GTPase activating protein 3; minus strand). Cytogenetic location: 1q22.
Variant type: single nucleotide variant.
Coding change: c.4762C>T on transcript NM_178229.5 (MANE Select); coding-DNA position 4762, C replaced by T.
Protein change: p.Arg1588Ter; replaces arginine 1588 with a stop codon.
Molecular consequence: nonsense.
Genome position (GRCh38, 1-based): chr1:156,527,972, G>A on the plus strand (C>T on the coding strand, the complement: IQGAP3 is on the minus strand). VCF-style: chr1-156527972-G-A. GRCh37 (hg19) VCF-style: chr1-156497764-G-A.
Other names: short protein forms R1588*.
Identifiers: ClinVar variation 1334675 (VCV001334675.4), dbSNP rs202051702, ClinGen allele CA1160597.

ClinVar aggregate classification (germline): Uncertain significance (1 of 4 stars; one submission).

Allele frequency attached by ClinVar (database versions not stated): gnomAD exomes 0.00001 and 0.00003; ExAC 0.00002; gnomAD 0.00002 and 0.00003; TOPMed 0.00002; 1000 Genomes Project 30x 0.00016; 1000 Genomes Project 0.00020.
gnomAD v4.1: 22 of 1,612,890 alleles (0.0014%); highest among the groups gnomAD compares: East Asian, 0.022%; no homozygotes.

Submission:

Greenwood Genetic Center Diagnostic Laboratories, Greenwood Genetic Center
Classification: Uncertain significance. Last evaluated: 2021-04-08. Review status: criteria provided, single submitter. Criteria: ACMG Guidelines, 2015. Collection method: clinical testing. Allele origin: germline. Affected: yes.
Comment: PM2